The following is an entry in ClinVar:

NM_015047.3(EMC1):c.281G>C (p.Gly94Ala)

Gene: EMC1 (ER membrane protein complex subunit 1; minus strand). Cytogenetic location: 1p36.13.
Variant type: single nucleotide variant.
Coding change: c.281G>C on transcript NM_015047.3 (MANE Select); coding-DNA position 281, G replaced by C.
Protein change: p.Gly94Ala; replaces glycine 94 with alanine.
Molecular consequence: missense variant. On other transcripts: intron variant (1).
Genome position (GRCh38, 1-based): chr1:19,243,955, C>G on the plus strand (G>C on the coding strand, the complement: EMC1 is on the minus strand). VCF-style: chr1-19243955-C-G. GRCh37 (hg19) VCF-style: chr1-19570449-C-G.
Other names: c.281G>C, p.Gly94Ala (NM_001271427.2, NM_001271428.2, NM_001375820.1 and 1 more transcripts); c.221-248G>C (NM_001271429.2); short protein forms G94A.
Identifiers: ClinVar variation 2135118 (VCV002135118.4), dbSNP rs2093619985, ClinGen allele CA338772864.

ClinVar aggregate classification (germline): Uncertain significance (1 of 4 stars; one submission).

Submission:

Labcorp Genetics (formerly Invitae), Labcorp
Classification: Uncertain significance. Last evaluated: 2022-05-18. Review status: criteria provided, single submitter. Criteria: Invitae Variant Classification Sherloc (09022015). Collection method: clinical testing. Allele origin: germline.
Comment: This variant is not present in population databases (gnomAD no frequency). This variant has not been reported in the literature in individuals affected with EMC1-related conditions. Algorithms developed to predict the effect of missense changes on protein structure and function are either unavailable or do not agree on the potential impact of this missense change (SIFT: "Tolerated"; PolyPhen-2: "Possibly Damaging"; Align-GVGD: "Class C0"). In summary, the available evidence is currently insufficient to determine the role of this variant in disease. Therefore, it has been classified as a Variant of Uncertain Significance. This sequence change replaces glycine, which is neutral and non-polar, with alanine, which is neutral and non-polar, at codon 94 of the EMC1 protein (p.Gly94Ala).